The following is an entry in ClinVar:

NM_003809.3(TNFSF12):c.106G>A (p.Gly36Ser)

Genes: TNFSF12 (TNF superfamily member 12; plus strand), TNFSF12-TNFSF13 (TNFSF12-TNFSF13 readthrough; plus strand). Cytogenetic location: 17p13.1.
Variant type: single nucleotide variant.
Coding change: c.106G>A on transcript NM_003809.3 (MANE Select); coding-DNA position 106, G replaced by A.
Protein change: p.Gly36Ser; replaces glycine 36 with serine.
Molecular consequence: missense variant. On other transcripts: non-coding transcript variant (1).
Genome position (GRCh38, 1-based): chr17:7,549,259, G>A. VCF-style: chr17-7549259-G-A. GRCh37 (hg19) VCF-style: chr17-7452576-G-A.
Other names: c.106G>A, p.Gly36Ser (NM_172089.4); short protein forms G36S.
Identifiers: ClinVar variation 1009091 (VCV001009091.10), dbSNP rs2070970743, ClinGen allele CA397853656.
Genomic context (GRCh38, chr17:7,549,259, plus strand): 5'-CCGGGCACCGCCCTGCTGGTCCCGCTCGCGCTGGGCCTGGGCCTGGCGCTGGCCTGCCTC[G>A]GCCTCCTGCTGGCCGTGGTCAGTTTGGGGAGCCGGGCATCGCTGTCCGCCCAGGTGAGGC-3'
Protein context (NP_003800.1, residues 26-46): LGLGLALACL[Gly36Ser]LLLAVVSLGS

ClinVar aggregate classification (germline): Uncertain significance (1 of 4 stars; one submission).

Conditions:
Common variable immunodeficiency (CVID). Also called: Common variable agammaglobulinemia; Common variable hypogamma-globulinemia. Identifiers: Orphanet 1572, MedGen C0009447, MONDO:0015517.

Allele frequency attached by ClinVar (database versions not stated): gnomAD exomes below 0.00001.
gnomAD v4.1: 3 of 1,395,654 alleles (0.00021%); highest among the groups gnomAD compares: South Asian, 0.0016%; no homozygotes.

Submission:

Labcorp Genetics (formerly Invitae), Labcorp
Classification: Uncertain significance for Common variable immunodeficiency. Last evaluated: 2025-05-13. Review status: criteria provided, single submitter. Criteria: Invitae Variant Classification Sherloc (09022015). Collection method: clinical testing. Allele origin: germline.
Comment: This sequence change replaces glycine, which is neutral and non-polar, with serine, which is neutral and polar, at codon 36 of the TNFSF12 protein (p.Gly36Ser). This variant is not present in population databases (gnomAD no frequency). This variant has not been reported in the literature in individuals affected with TNFSF12-related conditions. ClinVar contains an entry for this variant (Variation ID: 1009091). An algorithm developed to predict the effect of missense changes on protein structure and function (PolyPhen-2) suggests that this variant is likely to be tolerated. In summary, the available evidence is currently insufficient to determine the role of this variant in disease. Therefore, it has been classified as a Variant of Uncertain Significance.